The following is an entry in ClinVar:

NM_182914.3(SYNE2):c.3875T>C (p.Phe1292Ser)

Gene: SYNE2 (spectrin repeat containing nuclear envelope protein 2; plus strand). Cytogenetic location: 14q23.2.
Variant type: single nucleotide variant.
Coding change: c.3875T>C on transcript NM_182914.3 (MANE Select); coding-DNA position 3875, T replaced by C.
Protein change: p.Phe1292Ser; replaces phenylalanine 1292 with serine.
Molecular consequence: missense variant.
Genome position (GRCh38, 1-based): chr14:64,002,808, T>C. VCF-style: chr14-64002808-T-C. GRCh37 (hg19) VCF-style: chr14-64469526-T-C.
Other names: c.3875T>C, p.Phe1292Ser (NM_015180.6); short protein forms F1292S.
Identifiers: ClinVar variation 934935 (VCV000934935.7), dbSNP rs2096765769, ClinGen allele CA389996667.

ClinVar aggregate classification (germline): Uncertain significance (1 of 4 stars; one submission).

Conditions:
Emery-Dreifuss muscular dystrophy 5, autosomal dominant (EDMD5). Also called: EMERY-DREIFUSS MUSCULAR DYSTROPHY 5. Identifiers: Orphanet 261, MedGen C2751805, MONDO:0013072, OMIM 612999.

Allele frequency attached by ClinVar (database versions not stated): gnomAD exomes below 0.00001.
gnomAD v4.1: 4 of 1,599,182 alleles (0.00025%); highest among the groups gnomAD compares: African/African-American, 0.0028%; no homozygotes.

Submission:

Labcorp Genetics (formerly Invitae), Labcorp
Classification: Uncertain significance for Emery-Dreifuss muscular dystrophy 5, autosomal dominant. Last evaluated: 2024-08-30. Review status: criteria provided, single submitter. Criteria: Invitae Variant Classification Sherloc (09022015). Collection method: clinical testing. Allele origin: germline.
Comment: This sequence change replaces phenylalanine, which is neutral and non-polar, with serine, which is neutral and polar, at codon 1292 of the SYNE2 protein (p.Phe1292Ser). This variant is not present in population databases (gnomAD no frequency). This variant has not been reported in the literature in individuals affected with SYNE2-related conditions. ClinVar contains an entry for this variant (Variation ID: 934935). An algorithm developed to predict the effect of missense changes on protein structure and function outputs the following: PolyPhen-2: "Benign". The serine amino acid residue is found in multiple mammalian species, which suggests that this missense change does not adversely affect protein function. In summary, the available evidence is currently insufficient to determine the role of this variant in disease. Therefore, it has been classified as a Variant of Uncertain Significance.